The following is an entry in ClinVar:

NM_000104.4(CYP1B1):c.352C>T (p.Pro118Ser)

Gene: CYP1B1 (cytochrome P450 family 1 subfamily B member 1; minus strand). Cytogenetic location: 2p22.2.
Variant type: single nucleotide variant.
Coding change: c.352C>T on transcript NM_000104.4 (MANE Select); coding-DNA position 352, C replaced by T.
Protein change: p.Pro118Ser; replaces proline 118 with serine.
Molecular consequence: missense variant.
Genome position (GRCh38, 1-based): chr2:38,075,037, G>A on the plus strand (C>T on the coding strand, the complement: CYP1B1 is on the minus strand). VCF-style: chr2-38075037-G-A. GRCh37 (hg19) VCF-style: chr2-38302180-G-A.
Other names: NM_000104.4(CYP1B1):c.352C>T; p.Pro118Ser; short protein forms P118S.
Identifiers: ClinVar variation 3251563 (VCV003251563.2), dbSNP rs775866565.

ClinVar aggregate classification (germline): Uncertain significance. Review status: reviewed by expert panel (3 of 4 stars). 2 submissions from 2 submitters: Uncertain significance (1). 1 of the submissions does not count toward it. Last evaluated 2026-10-12.

Conditions:
CYP1B1-related glaucoma with or without anterior segment dysgenesis. Identifiers: MedGen CN375931, MONDO:0800472.

Allele frequency attached by ClinVar (database versions not stated): gnomAD exomes below 0.00001; ExAC 0.00002.

Submissions (2):

ClinGen Glaucoma Variant Curation Expert Panel
Classification: Uncertain significance for CYP1B1-related glaucoma with or without anterior segment dysgenesis. Last evaluated: 2026-10-12. Review status: reviewed by expert panel. Criteria: ClinGen Glaucoma ACMG Specifications CYP1B1 V2.0. Collection method: curation. Allele origin: germline. Inheritance: Autosomal recessive inheritance.
Comment: The c.352C>T variant in CYP1B1 is a missense variant predicted to cause substitution of Proline by Serine at amino acid 118 (p.Pro118Ser). The highest minor allele frequency of this variant was in the European (non-Finnish) genetic ancestry group of gnomAD (v4.1) = 0.00000085 (1 allele out of 1,175,530), which met the ≤ 0.0005 threshold set for PM2_Supporting in a genetic ancestry group of at least 2,000 alleles. The REVEL score = 0.729, which was within the 0.644-0.772 range for PP3, predicting a damaging effect on CYP1B1 function. There was no functional evidence predicting a damaging or benign impact of this variant on CYP1B1 function. This variant has been identified in 2 individuals with a CYP1B1-related phenotype. Total proband points = 1, meeting PM3. In summary, this variant met the criteria to receive a score of 4 and to be classified as a variant of uncertain significance (uncertain significance classification range -1 to 5, adapted from PMID: 32720330) for CYP1B1-related glaucoma with or without anterior segment dysgenesis (ASD) based on the ACMG/AMP criteria met, as specified by the ClinGen Glaucoma VCEP (v2.0, 16.07.2026): PM3, PP3, PM2_Supporting

Women's Health and Genetics/Laboratory Corporation of America, LabCorp
Classification: Uncertain significance. Last evaluated: 2024-04-03. Review status: criteria provided, single submitter. Criteria: LabCorp Variant Classification Summary - May 2015. Collection method: clinical testing. Allele origin: germline. Not counted in ClinVar's aggregate classification.
Comment: Variant summary: CYP1B1 c.352C>T (p.Pro118Ser) results in a non-conservative amino acid change in the encoded protein sequence. Five of five in-silico tools predict a damaging effect of the variant on protein function. The variant allele was found at a frequency of 4.9e-06 in 203954 control chromosomes (gnomAD). c.352C>T has been reported in the literature in a homozygous individual affected with Primary Congenital Glaucoma (Chen_2008). These data indicate that the variant may be associated with disease. To our knowledge, no experimental evidence demonstrating an impact on protein function has been reported. The following publication has been ascertained in the context of this evaluation (PMID: 18852424). No submitters have cited clinical-significance assessments for this variant to ClinVar. Based on the evidence outlined above, the variant was classified as VUS-possibly pathogenic.

Literature cited by the submitters: PubMed 18852424 (cited by Women's Health and Genetics/Laboratory Corporation of America, LabCorp).